The following is an entry in ClinVar:

ClinVar aggregate classification (germline): Uncertain significance (1 of 4 stars; one submission).

Allele frequency attached by ClinVar (database versions not stated): gnomAD exomes below 0.00001.
gnomAD v4.1: 1 of 1,614,240 alleles (0.000062%); highest among the groups gnomAD compares: Non-Finnish European, 0.000085%; no homozygotes.

Submission:

Labcorp Genetics (formerly Invitae), Labcorp
Classification: Uncertain significance. Last evaluated: 2023-01-19. Review status: criteria provided, single submitter. Criteria: Invitae Variant Classification Sherloc (09022015). Collection method: clinical testing. Allele origin: germline.
Comment: Advanced modeling of protein sequence and biophysical properties (such as structural, functional, and spatial information, amino acid conservation, physicochemical variation, residue mobility, and thermodynamic stability) performed at Invitae indicates that this missense variant is not expected to disrupt ATP8B1 protein function. This variant has not been reported in the literature in individuals affected with ATP8B1-related conditions. This variant is not present in population databases (gnomAD no frequency). This sequence change replaces phenylalanine, which is neutral and non-polar, with leucine, which is neutral and non-polar, at codon 954 of the ATP8B1 protein (p.Phe954Leu). In summary, the available evidence is currently insufficient to determine the role of this variant in disease. Therefore, it has been classified as a Variant of Uncertain Significance.

NM_001374385.1(ATP8B1):c.2860T>C (p.Phe954Leu)

Genes: ATP8B1 (ATPase phospholipid transporting 8B1; minus strand), ATP8B1-AS1 (ATP8B1 antisense RNA 1; plus strand). Cytogenetic location: 18q21.31.
Variant type: single nucleotide variant.
Coding change: c.2860T>C on transcript NM_001374385.1 (MANE Select); coding-DNA position 2860, T replaced by C.
Protein change: p.Phe954Leu; replaces phenylalanine 954 with leucine.
Molecular consequence: missense variant.
Genome position (GRCh38, 1-based): chr18:57,655,265, A>G on the plus strand (T>C on the coding strand, the complement: ATP8B1 is on the minus strand). VCF-style: chr18-57655265-A-G. GRCh37 (hg19) VCF-style: chr18-55322497-A-G.
Other names: c.2710T>C, p.Phe904Leu (NM_001374386.1); c.2860T>C, p.Phe954Leu (NM_005603.6); short protein forms F904L, F954L.
Identifiers: ClinVar variation 2830013 (VCV002830013.3), dbSNP rs2511630248, ClinGen allele CA402546956.